The following is an entry in ClinVar:

ClinVar aggregate classification (germline): Uncertain significance (1 of 4 stars; one submission).

Allele frequency attached by ClinVar (database versions not stated): ExAC 0.00003; gnomAD exomes 0.00003.
gnomAD v4.1: 18 of 1,613,636 alleles (0.0011%); highest among the groups gnomAD compares: South Asian, 0.018%; no homozygotes.

Submission:

Labcorp Genetics (formerly Invitae), Labcorp
Classification: Uncertain significance. Last evaluated: 2022-09-13. Review status: criteria provided, single submitter. Criteria: Invitae Variant Classification Sherloc (09022015). Collection method: clinical testing. Allele origin: germline.
Comment: This sequence change falls in intron 8 of the ARSG gene. It does not directly change the encoded amino acid sequence of the ARSG protein. It affects a nucleotide within the consensus splice site. This variant is present in population databases (rs748963612, gnomAD 0.03%). This variant has not been reported in the literature in individuals affected with ARSG-related conditions. ClinVar contains an entry for this variant (Variation ID: 1401272). Variants that disrupt the consensus splice site are a relatively common cause of aberrant splicing (PMID: 17576681, 9536098). Algorithms developed to predict the effect of sequence changes on RNA splicing suggest that this variant is not likely to affect RNA splicing. In summary, the available evidence is currently insufficient to determine the role of this variant in disease. Therefore, it has been classified as a Variant of Uncertain Significance.

Literature cited by the submitters: PubMed 17576681; PubMed 9536098.

NM_001267727.2(ARSG):c.982+5G>A

Gene: ARSG (arylsulfatase G; plus strand). Cytogenetic location: 17q24.2.
Variant type: single nucleotide variant.
Coding change: c.982+5G>A on transcript NM_001267727.2 (MANE Select); 5 bases into the intron after coding-DNA position 982, G replaced by A.
Molecular consequence: intron variant.
Genome position (GRCh38, 1-based): chr17:68,370,529, G>A. VCF-style: chr17-68370529-G-A. GRCh37 (hg19) VCF-style: chr17-66366670-G-A.
Other names: c.979+5G>A (NM_001352904.2, NM_001352903.2, NM_001352905.2 and 2 more transcripts); c.982+5G>A (NM_014960.5, NM_001352910.2, NM_001352899.2 and 3 more transcripts); c.934+5G>A (NM_001352909.2).
Identifiers: ClinVar variation 1401272 (VCV001401272.3), dbSNP rs748963612, ClinGen allele CA8728417.